The following is an entry in ClinVar:

ClinVar aggregate classification (germline): Uncertain significance (1 of 4 stars; one submission).

Conditions:
Congenital myasthenic syndrome 12 (CMS12). Also called: Myasthenia, congenital, 12, with tubular aggregates; MYASTHENIC SYNDROME, CONGENITAL, WITH TUBULAR AGGREGATES 1. Identifiers: Orphanet 353327, Orphanet 590, MedGen C3552335, MONDO:0012518, OMIM 610542.

gnomAD v4.1: 1 of 1,613,964 alleles (0.000062%); highest among the groups gnomAD compares: Non-Finnish European, 0.000085%; no homozygotes.

Submission:

Labcorp Genetics (formerly Invitae), Labcorp
Classification: Uncertain significance for Congenital myasthenic syndrome 12. Last evaluated: 2024-05-24. Review status: criteria provided, single submitter. Criteria: Invitae Variant Classification Sherloc (09022015). Collection method: clinical testing. Allele origin: germline.
Comment: This sequence change replaces lysine, which is basic and polar, with glutamic acid, which is acidic and polar, at codon 455 of the GFPT1 protein (p.Lys455Glu). This variant is present in population databases (no rsID available, gnomAD 0.007%). This variant has not been reported in the literature in individuals affected with GFPT1-related conditions. Advanced modeling of protein sequence and biophysical properties (such as structural, functional, and spatial information, amino acid conservation, physicochemical variation, residue mobility, and thermodynamic stability) has been performed at Invitae for this missense variant, however the output from this modeling did not meet the statistical confidence thresholds required to predict the impact of this variant on GFPT1 protein function. In summary, the available evidence is currently insufficient to determine the role of this variant in disease. Therefore, it has been classified as a Variant of Uncertain Significance.

NM_001244710.2(GFPT1):c.1363A>G (p.Lys455Glu)

Gene: GFPT1 (glutamine--fructose-6-phosphate transaminase 1; minus strand). Cytogenetic location: 2p13.3.
Variant type: single nucleotide variant.
Coding change: c.1363A>G on transcript NM_001244710.2 (MANE Select); coding-DNA position 1363, A replaced by G.
Protein change: p.Lys455Glu; replaces lysine 455 with glutamic acid.
Molecular consequence: missense variant.
Genome position (GRCh38, 1-based): chr2:69,338,017, T>C on the plus strand (A>G on the coding strand, the complement: GFPT1 is on the minus strand). VCF-style: chr2-69338017-T-C. GRCh37 (hg19) VCF-style: chr2-69565149-T-C.
Other names: c.1309A>G, p.Lys437Glu (NM_002056.4); short protein forms K437E, K455E.
Identifiers: ClinVar variation 3689263 (VCV003689263.2).